The following is an entry in ClinVar:

NM_001277115.2(DNAH11):c.2169+6G>T

Gene: DNAH11 (dynein axonemal heavy chain 11; plus strand). Cytogenetic location: 7p15.3.
Variant type: single nucleotide variant.
Coding change: c.2169+6G>T on transcript NM_001277115.2 (MANE Select); 6 bases into the intron after coding-DNA position 2169, G replaced by T.
Molecular consequence: intron variant.
Genome position (GRCh38, 1-based): chr7:21,589,409, G>T. VCF-style: chr7-21589409-G-T. GRCh37 (hg19) VCF-style: chr7-21629027-G-T.
Identifiers: ClinVar variation 359611 (VCV000359611.7), dbSNP rs761214072, ClinGen allele CA4179236.

ClinVar aggregate classification (germline): Uncertain significance (1 of 4 stars; one submission).

Conditions:
Primary ciliary dyskinesia. Also called: Ciliary dyskinesia. Identifiers: Orphanet 244, MedGen C0008780, MONDO:0016575, HP:0012265.

Allele frequency attached by ClinVar (database versions not stated): gnomAD below 0.00001 and 0.00003; TOPMed 0.00001; ExAC 0.00025.
gnomAD v4.1: 143 of 1,587,160 alleles (0.009%); highest among the groups gnomAD compares: South Asian, 0.17%; 2 homozygotes.

Submission:

Labcorp Genetics (formerly Invitae), Labcorp
Classification: Uncertain significance for Primary ciliary dyskinesia. Last evaluated: 2022-07-21. Review status: criteria provided, single submitter. Criteria: Invitae Variant Classification Sherloc (09022015). Collection method: clinical testing. Allele origin: germline.
Comment: This sequence change falls in intron 12 of the DNAH11 gene. It does not directly change the encoded amino acid sequence of the DNAH11 protein. It affects a nucleotide within the consensus splice site. This variant is present in population databases (rs761214072, gnomAD 0.2%). This variant has not been reported in the literature in individuals affected with DNAH11-related conditions. ClinVar contains an entry for this variant (Variation ID: 359611). Variants that disrupt the consensus splice site are a relatively common cause of aberrant splicing (PMID: 17576681, 9536098). Algorithms developed to predict the effect of sequence changes on RNA splicing suggest that this variant is not likely to affect RNA splicing. In summary, the available evidence is currently insufficient to determine the role of this variant in disease. Therefore, it has been classified as a Variant of Uncertain Significance.

Literature cited by the submitters: PubMed 17576681; PubMed 9536098.